The following is an entry in ClinVar:

NM_000093.5(COL5A1):c.4020A>G (p.Pro1340=)

Gene: COL5A1 (collagen type V alpha 1 chain; plus strand). Cytogenetic location: 9q34.3.
Variant type: single nucleotide variant.
Coding change: c.4020A>G on transcript NM_000093.5 (MANE Select); coding-DNA position 4020, A replaced by G.
Protein change: p.Pro1340=; no amino-acid change (proline 1340 retained).
Molecular consequence: synonymous variant.
Genome position (GRCh38, 1-based): chr9:134,815,581, A>G. VCF-style: chr9-134815581-A-G. GRCh37 (hg19) VCF-style: chr9-137707427-A-G.
Other names: c.4020A>G, p.Pro1340= (NM_001278074.1).
Identifiers: ClinVar variation 513692 (VCV000513692.10), dbSNP rs776564144, ClinGen allele CA5320100.

ClinVar aggregate classification (germline): Conflicting classifications of pathogenicity. Review status: criteria provided, conflicting classifications (1 of 4 stars). 5 submissions from 5 submitters: Uncertain significance (1); Benign (1); Likely benign (2). 1 of the submissions does not count toward it. Last evaluated 2025-02-13.

Conditions:
Ehlers-Danlos syndrome, classic type, 1 (EDSCL1). Also called: Ehlers-Danlos syndrome, type 1; EHLERS-DANLOS SYNDROME, GRAVIS TYPE; EHLERS-DANLOS SYNDROME, SEVERE CLASSIC TYPE; EDS I; Ehlers-Danlos Syndrome, Classic Type, COL5A1-Related. Identifiers: MedGen C0268335, MONDO:0019567, OMIM 130000.
COL5A1-related disorder. Also called: COL5A1-related condition.
Familial thoracic aortic aneurysm and aortic dissection (TAAD). Also called: Thoracic aortic aneurysms and dissections. Identifiers: Orphanet 91387, MedGen C4707243, MONDO:0019625.

Allele frequency attached by ClinVar (database versions not stated): gnomAD exomes below 0.00001; ExAC 0.00001; TOPMed 0.00007.
gnomAD v4.1: 14 of 1,613,436 alleles (0.00087%); highest among the groups gnomAD compares: Admixed American, 0.013%; no homozygotes.

Submissions (5):

Labcorp Genetics (formerly Invitae), Labcorp
Classification: Benign for Ehlers-Danlos syndrome, classic type, 1. Last evaluated: 2025-02-13. Review status: criteria provided, single submitter. Criteria: Invitae Variant Classification Sherloc (09022015). Collection method: clinical testing. Allele origin: germline.

Ambry Genetics
Classification: Likely benign for Familial thoracic aortic aneurysm and aortic dissection. Last evaluated: 2023-04-17. Review status: criteria provided, single submitter. Criteria: Ambry Variant Classification Scheme 2023. Collection method: clinical testing. Allele origin: germline.

Blueprint Genetics
Classification: Uncertain significance. Last evaluated: 2018-05-11. Review status: criteria provided, single submitter. Criteria: ACMG Guidelines, 2015. Collection method: clinical testing. Allele origin: germline.

GeneDx
Classification: Likely benign. Last evaluated: 2017-11-28. Review status: criteria provided, single submitter. Criteria: GeneDx Variant Classification (06012015). Collection method: clinical testing. Allele origin: germline. Affected: yes.
Comment: This variant is considered likely benign or benign based on one or more of the following criteria: it is a conservative change, it occurs at a poorly conserved position in the protein, it is predicted to be benign by multiple in silico algorithms, and/or has population frequency not consistent with disease.

PreventionGenetics, part of Exact Sciences
Classification: Likely benign for COL5A1-related condition. Last evaluated: 2020-02-25. Review status: no assertion criteria provided. Collection method: clinical testing. Allele origin: germline. Not counted in ClinVar's aggregate classification.
Comment: This variant is classified as likely benign based on ACMG/AMP sequence variant interpretation guidelines (Richards et al. 2015 PMID: 25741868, with internal and published modifications).